The following is an entry in ClinVar:

ClinVar aggregate classification (germline): Pathogenic/Likely pathogenic. Review status: criteria provided, multiple submitters, no conflicts (2 of 4 stars). 2 submissions from 2 submitters: Pathogenic (1); Likely pathogenic (1). Last evaluated 2024-10-16.

Conditions:
Retinitis pigmentosa 25 (RP25). Identifiers: Orphanet 791, MedGen C1864446, MONDO:0011272, OMIM 602772.

Allele frequency attached by ClinVar (database versions not stated): TOPMed below 0.00001; gnomAD 0.00001.

Submissions (2):

Labcorp Genetics (formerly Invitae), Labcorp
Classification: Pathogenic. Last evaluated: 2024-10-16. Review status: criteria provided, single submitter. Criteria: Invitae Variant Classification Sherloc (09022015). Collection method: clinical testing. Allele origin: germline.
Comment: This sequence change creates a premature translational stop signal (p.Tyr2426*) in the EYS gene. It is expected to result in an absent or disrupted protein product. Loss-of-function variants in EYS are known to be pathogenic (PMID: 18836446, 20333770). This variant is not present in population databases (gnomAD no frequency). This variant has not been reported in the literature in individuals affected with EYS-related conditions. ClinVar contains an entry for this variant (Variation ID: 1414663). For these reasons, this variant has been classified as Pathogenic.

Baylor Genetics
Classification: Likely pathogenic for Retinitis pigmentosa 25. Last evaluated: 2023-12-12. Review status: criteria provided, single submitter. Criteria: ACMG Guidelines, 2015. Collection method: clinical testing. Allele origin: unknown.

Literature cited by the submitters: PubMed 18836446 (cited by Labcorp Genetics (formerly Invitae), Labcorp); PubMed 20333770 (cited by Labcorp Genetics (formerly Invitae), Labcorp).

NM_001142800.2(EYS):c.7277dup (p.Tyr2426Ter)

Gene: EYS (EGF-like photoreceptor maintenance factor; minus strand). Cytogenetic location: 6q12.
Variant type: Duplication.
Coding change: c.7277dup on transcript NM_001142800.2 (MANE Select); coding-DNA position 7277, one base duplicated (A; older notation c.7277dupA).
Protein change: p.Tyr2426Ter; replaces tyrosine 2426 with a stop codon.
Molecular consequence: nonsense.
Genome position (GRCh38, 1-based): chr6:63,806,324, T duplicated on the plus strand (A on the coding strand, the reverse complement: EYS is on the minus strand). VCF-style (leftmost placement, unchanged base first): chr6-63806323-G-GT. GRCh37 (hg19) VCF-style: chr6-64516216-G-GT.
Other names: c.7277dup, p.Tyr2426Ter (NM_001292009.2); short protein forms Y2426*.
Identifiers: ClinVar variation 1414663 (VCV001414663.7), dbSNP rs1303821903, ClinGen allele CA826985759.